The following is an entry in ClinVar:

ClinVar aggregate classification (germline): Uncertain significance. Review status: criteria provided, multiple submitters, no conflicts (2 of 4 stars). 2 submissions from 2 submitters: Uncertain significance (2). Last evaluated 2025-11-09.

Conditions:
Hereditary cancer-predisposing syndrome. Also called: Neoplastic Syndromes, Hereditary; Hereditary Cancer Syndrome; Tumor predisposition; Hereditary neoplastic syndrome. Identifiers: Orphanet 140162, MedGen C0027672, MeSH D009386, MONDO:0015356.
Familial cancer of breast. Also called: hereditary breast carcinoma; Hereditary breast cancer; BREAST CANCER, FAMILIAL. Identifiers: Orphanet 227535, MedGen C0346153, MONDO:0016419, OMIM 114480. Disease mechanism: loss of function.
Fanconi anemia complementation group J. Also called: BRIP1-Related Fanconi Anemia. Identifiers: Orphanet 84, MedGen C1836860, MONDO:0012187, OMIM 609054.

Submissions (2):

Ambry Genetics
Classification: Uncertain significance for Hereditary cancer-predisposing syndrome. Last evaluated: 2025-11-09. Review status: criteria provided, single submitter. Criteria: Ambry Variant Classification Scheme 2023. Collection method: clinical testing. Allele origin: germline.
Comment: The p.L1158M variant (also known as c.3472T>A), located in coding exon 19 of the BRIP1 gene, results from a T to A substitution at nucleotide position 3472. The leucine at codon 1158 is replaced by methionine, an amino acid with highly similar properties. This amino acid position is well conserved in available vertebrate species. In addition, this alteration is predicted to be tolerated by in silico analysis. Since supporting evidence is limited at this time, the clinical significance of this alteration remains unclear.

Labcorp Genetics (formerly Invitae), Labcorp
Classification: Uncertain significance for Familial cancer of breast; Fanconi anemia complementation group J. Last evaluated: 2024-02-27. Review status: criteria provided, single submitter. Criteria: Invitae Variant Classification Sherloc (09022015). Collection method: clinical testing. Allele origin: germline.
Comment: This sequence change replaces leucine, which is neutral and non-polar, with methionine, which is neutral and non-polar, at codon 1158 of the BRIP1 protein (p.Leu1158Met). This variant is not present in population databases (gnomAD no frequency). This variant has not been reported in the literature in individuals affected with BRIP1-related conditions. ClinVar contains an entry for this variant (Variation ID: 1510643). An algorithm developed to predict the effect of missense changes on protein structure and function (PolyPhen-2) suggests that this variant is likely to be disruptive. In summary, the available evidence is currently insufficient to determine the role of this variant in disease. Therefore, it has been classified as a Variant of Uncertain Significance.

NM_032043.3(BRIP1):c.3472T>A (p.Leu1158Met)

Gene: BRIP1 (BRCA1 interacting DNA helicase 1; minus strand). Cytogenetic location: 17q23.2.
Variant type: single nucleotide variant.
Coding change: c.3472T>A on transcript NM_032043.3 (MANE Select); coding-DNA position 3472, T replaced by A.
Protein change: p.Leu1158Met; replaces leucine 1158 with methionine.
Molecular consequence: missense variant.
Genome position (GRCh38, 1-based): chr17:61,683,574, A>T on the plus strand (T>A on the coding strand, the complement: BRIP1 is on the minus strand). VCF-style: chr17-61683574-A-T. GRCh37 (hg19) VCF-style: chr17-59760935-A-T.
Other names: short protein forms L1158M.
Identifiers: ClinVar variation 1510643 (VCV001510643.12), dbSNP rs1060504330, ClinGen allele CA400478636.
Genomic context (GRCh38, chr17:61,683,574, plus strand): 5'-CTTTTATAGTTCTAATTTCAAAAAGGTCTTTAGCTAAAATGCAATCTGAATTGTTAGCCA[A>T]TCTATTTCCTCTATCAGTTTCAGCTAGGTCATTTTTTTCTTCATCTGTATCTTCAGGATC-3'
Protein context (NP_114432.2, residues 1148-1168): DLAETDRGNR[Leu1158Met]ANNSDCILAK